The following is an entry in ClinVar:

NM_015122.3(FCHO1):c.1359C>G (p.Ser453Arg)

Gene: FCHO1 (FCH and mu domain containing endocytic adaptor 1; plus strand). Cytogenetic location: 19p13.11.
Variant type: single nucleotide variant.
Coding change: c.1359C>G on transcript NM_015122.3 (MANE Select); coding-DNA position 1359, C replaced by G.
Protein change: p.Ser453Arg; replaces serine 453 with arginine.
Molecular consequence: missense variant. On other transcripts: non-coding transcript variant (14), intron variant (15).
Genome position (GRCh38, 1-based): chr19:17,778,616, C>G. VCF-style: chr19-17778616-C-G. GRCh37 (hg19) VCF-style: chr19-17889425-C-G.
Other names: c.1359C>G, p.Ser453Arg (NM_001161357.2, NM_001161358.2, NM_001384370.1 and 13 more transcripts); c.1209C>G, p.Ser403Arg (NM_001161359.2, NM_001384384.1, NM_001384385.1 and 1 more transcripts); c.1320C>G, p.Ser440Arg (NM_001384388.1, NM_001384389.1, NM_001384405.1); c.1284C>G, p.Ser428Arg (NM_001384390.1); c.1351+388C>G (NM_001384396.1, NM_001384404.1, NM_001384398.1 and 5 more transcripts); c.1201+388C>G (NM_001384406.1); c.1057+2345C>G (NM_001384407.1); c.1352-110C>G (NM_001384393.1, NM_001384394.1, NM_001384392.1 and 1 more transcripts); and 1 more; short protein forms S403R, S428R, S440R, S453R.
Identifiers: ClinVar variation 1717702 (VCV001717702.5), dbSNP rs2513923006, ClinGen allele CA404753092.

ClinVar aggregate classification (germline): Uncertain significance (1 of 4 stars; one submission).

Submission:

Labcorp Genetics (formerly Invitae), Labcorp
Classification: Uncertain significance. Last evaluated: 2022-08-22. Review status: criteria provided, single submitter. Criteria: Invitae Variant Classification Sherloc (09022015). Collection method: clinical testing. Allele origin: germline.
Comment: This variant is not present in population databases (gnomAD no frequency). In summary, the available evidence is currently insufficient to determine the role of this variant in disease. Therefore, it has been classified as a Variant of Uncertain Significance. Algorithms developed to predict the effect of missense changes on protein structure and function (SIFT, PolyPhen-2, Align-GVGD) all suggest that this variant is likely to be tolerated. This variant has not been reported in the literature in individuals affected with FCHO1-related conditions. This sequence change replaces serine, which is neutral and polar, with arginine, which is basic and polar, at codon 453 of the FCHO1 protein (p.Ser453Arg).